The following is an entry in ClinVar:

NC_000007.14:g.156779210T>C

Genes: LMBR1 (limb development membrane protein 1; minus strand), SHH (sonic hedgehog signaling molecule; minus strand). Cytogenetic location: 7q36.3.
Variant type: single nucleotide variant.
Molecular consequence: intron variant (on NM_022458.4).
Genome position: GRCh38 VCF-style: chr7-156779210-T-C. GRCh37 (hg19) VCF-style: chr7-156571904-T-C.
Other names: c.361-15415A>G (NM_001363412.2); c.145-15415A>G (NM_001350954.2); c.424-15415A>G (NM_001363410.2, NM_022458.4, NM_001363409.2 and 1 more transcripts); c.-34+445A>G (NM_001350958.2, NM_001350956.2, NM_001350955.2 and 1 more transcripts); c.55-15415A>G (NM_001350957.2, NM_001363411.2).
Identifiers: ClinVar variation 2864655 (VCV002864655.3), dbSNP rs1486358385, ClinGen allele CA579060303.
Genomic context (GRCh38, chr7:156,779,210, plus strand): 5'-GTTTTGAATGCTTAGATTATGTCATATATCACCAGGATTTCATGAACTTCACAATATTTT[T>C]ATTTCCCAGTATGAACACTTATCCTGCCATCCCCCACAAAAAAACCCGTTAAGTTTAAAT-3'

ClinVar aggregate classification (germline): Uncertain significance (1 of 4 stars; one submission).

Conditions:
Holoprosencephaly 3 (HPE3). Identifiers: Orphanet 2162, MedGen C1840529, MONDO:0007733, OMIM 142945.

Allele frequency attached by ClinVar (database versions not stated): gnomAD 0.00001.
gnomAD v4.1: 1 of 152,192 alleles (0.00066%); highest among the groups gnomAD compares: African/African-American, 0.0024%; no homozygotes.

Submission:

Labcorp Genetics (formerly Invitae), Labcorp
Classification: Uncertain significance for Holoprosencephaly 3. Last evaluated: 2023-10-03. Review status: criteria provided, single submitter. Criteria: Invitae Variant Classification Sherloc (09022015). Collection method: clinical testing. Allele origin: germline.
Comment: This variant occurs in a non-coding region of the SHH gene. It does not change the encoded amino acid sequence of the SHH protein. This variant is present in population databases (no rsID available, gnomAD 0.02%). This variant has not been reported in the literature in individuals affected with SHH-related conditions. Experimental studies and prediction algorithms are not available or were not evaluated, and the functional significance of this variant is currently unknown. In summary, the available evidence is currently insufficient to determine the role of this variant in disease. Therefore, it has been classified as a Variant of Uncertain Significance.